The following is an entry in ClinVar:

NM_000435.3(NOTCH3):c.4404-172dup

Gene: NOTCH3 (notch receptor 3; minus strand). Cytogenetic location: 19p13.12.
Variant type: Duplication.
Coding change: c.4404-172dup on transcript NM_000435.3 (MANE Select); 172 bases into the intron before coding-DNA position 4404, one base duplicated (A; older notation c.4404-172dupA).
Molecular consequence: intron variant.
Genome position (GRCh38, 1-based): chr19:15,174,572, T duplicated on the plus strand (A on the coding strand, the reverse complement: NOTCH3 is on the minus strand); the first of 18 consecutive T bases (chr19:15,174,572-15,174,589); duplicating any one gives the same sequence. VCF-style (leftmost placement, unchanged base first): chr19-15174571-A-AT. GRCh37 (hg19) VCF-style: chr19-15285382-A-AT.
Identifiers: ClinVar variation 1700316 (VCV001700316.2), dbSNP rs71168591, ClinGen allele CA631942744.

ClinVar aggregate classification (germline): Likely benign (1 of 4 stars; one submission).

Submission:

GeneDx
Classification: Likely benign. Last evaluated: 2021-05-17. Review status: criteria provided, single submitter. Criteria: GeneDx Variant Classification Process June 2021. Collection method: clinical testing. Allele origin: germline. Affected: yes.
Comment: See Variant Classification Assertion Criteria.